The following is an entry in ClinVar:

ClinVar aggregate classification (germline): Uncertain significance (1 of 4 stars; one submission).

Conditions:
Hereditary breast ovarian cancer syndrome. Also called: BRCA1- and BRCA2-Associated Hereditary Breast and Ovarian Cancer; Hereditary breast and/or ovarian cancer syndrome; Hereditary breast and ovarian cancer syndrome; Hereditary breast and ovarian cancer syndrome (HBOC); Breast and ovarian cancer; Hereditary breast and ovarian cancer. Identifiers: Orphanet 145, MedGen C0677776, MeSH D061325, MONDO:0003582. Disease mechanism: loss of function.

gnomAD v4.1: 1 of 1,613,990 alleles (0.000062%); highest among the groups gnomAD compares: Non-Finnish European, 0.000085%; no homozygotes.

Submission:

Labcorp Genetics (formerly Invitae), Labcorp
Classification: Uncertain significance for Hereditary breast ovarian cancer syndrome. Last evaluated: 2024-07-19. Review status: criteria provided, single submitter. Criteria: Invitae Variant Classification Sherloc (09022015). Collection method: clinical testing. Allele origin: germline.
Comment: This sequence change replaces alanine, which is neutral and non-polar, with valine, which is neutral and non-polar, at codon 1166 of the BRCA1 protein (p.Ala1166Val). This variant is not present in population databases (gnomAD no frequency). This variant has not been reported in the literature in individuals affected with BRCA1-related conditions. Advanced modeling of protein sequence and biophysical properties (such as structural, functional, and spatial information, amino acid conservation, physicochemical variation, residue mobility, and thermodynamic stability) performed at Invitae indicates that this missense variant is not expected to disrupt BRCA1 protein function with a negative predictive value of 95%. In summary, the available evidence is currently insufficient to determine the role of this variant in disease. Therefore, it has been classified as a Variant of Uncertain Significance.

NM_007294.4(BRCA1):c.3497C>T (p.Ala1166Val)

Genes: BRCA1 (BRCA1 DNA repair associated; minus strand), LOC126862571 (BRD4-independent group 4 enhancer GRCh37_chr17:41243136-41244335; plus strand). Cytogenetic location: 17q21.31.
Variant type: single nucleotide variant.
Coding change: c.3497C>T on transcript NM_007294.4 (MANE Select); coding-DNA position 3497, C replaced by T.
Protein change: p.Ala1166Val; replaces alanine 1166 with valine.
Molecular consequence: missense variant. On other transcripts: intron variant (135).
Genome position (GRCh38, 1-based): chr17:43,092,034, G>A on the plus strand (C>T on the coding strand, the complement: BRCA1 is on the minus strand). VCF-style: chr17-43092034-G-A. GRCh37 (hg19) VCF-style: chr17-41244051-G-A.
Other names: c.3287C>T, p.Ala1096Val (NM_001407909.1, NM_001407910.1, NM_001407904.1 and 13 more transcripts); c.3353C>T, p.Ala1118Val (NM_001407843.1, NM_001407844.1, NM_001407845.1 and 20 more transcripts); c.3356C>T, p.Ala1119Val (NM_001407728.1, NM_001407729.1, NM_001407730.1 and 29 more transcripts); c.3284C>T, p.Ala1095Val (NM_001407915.1, NM_001407916.1, NM_001407917.1 and 9 more transcripts); c.3164C>T, p.Ala1055Val (NM_001407951.1, NM_001407952.1, NM_001407953.1 and 6 more transcripts); c.3161C>T, p.Ala1054Val (NM_001407958.1, NM_001407954.1, NM_001407955.1 and 1 more transcripts); c.3233C>T, p.Ala1078Val (NM_001407923.1, NM_001407922.1, NM_001407920.1 and 9 more transcripts); c.3374C>T, p.Ala1125Val (NM_001407919.1, NM_001407863.1, NM_001407937.1 and 19 more transcripts); and 41 more; short protein forms A870V, A1038V, A1039V, A1096V, A1099V, A1119V, A1124V, A1139V.
Identifiers: ClinVar variation 3668413 (VCV003668413.2).